The following is an entry in ClinVar:

ClinVar aggregate classification (germline): Uncertain significance. Review status: criteria provided, multiple submitters, no conflicts (2 of 4 stars). 2 submissions from 2 submitters: Uncertain significance (2). Last evaluated 2024-12-24.

Conditions:
Autoimmune lymphoproliferative syndrome, type III caused by mutation in PRKCD. Identifiers: Orphanet 3261, Orphanet 664711, MedGen C3809928, MONDO:8000024, OMIM 615559.
Inborn genetic diseases. Identifiers: MedGen C0950123, MeSH D030342.

Allele frequency attached by ClinVar (database versions not stated): TOPMed 0.00003; gnomAD 0.00003; gnomAD exomes 0.00004.

Submissions (2):

Ambry Genetics
Classification: Uncertain significance for Inborn genetic diseases. Last evaluated: 2024-12-24. Review status: criteria provided, single submitter. Criteria: Ambry Variant Classification Scheme 2023. Collection method: clinical testing. Allele origin: germline.

Labcorp Genetics (formerly Invitae), Labcorp
Classification: Uncertain significance for Autoimmune lymphoproliferative syndrome, type III caused by mutation in PRKCD. Last evaluated: 2024-12-08. Review status: criteria provided, single submitter. Criteria: Invitae Variant Classification Sherloc (09022015). Collection method: clinical testing. Allele origin: germline.
Comment: This sequence change replaces lysine, which is basic and polar, with glutamine, which is neutral and polar, at codon 260 of the PRKCD protein (p.Lys260Gln). This variant is present in population databases (no rsID available, gnomAD 0.003%). This variant has not been reported in the literature in individuals affected with PRKCD-related conditions. ClinVar contains an entry for this variant (Variation ID: 2197891). An algorithm developed to predict the effect of missense changes on protein structure and function (PolyPhen-2) suggests that this variant is likely to be disruptive. In summary, the available evidence is currently insufficient to determine the role of this variant in disease. Therefore, it has been classified as a Variant of Uncertain Significance.

NM_006254.4(PRKCD):c.778A>C (p.Lys260Gln)

Gene: PRKCD (protein kinase C delta; plus strand). Cytogenetic location: 3p21.1.
Variant type: single nucleotide variant.
Coding change: c.778A>C on transcript NM_006254.4 (MANE Select); coding-DNA position 778, A replaced by C.
Protein change: p.Lys260Gln; replaces lysine 260 with glutamine.
Molecular consequence: missense variant.
Genome position (GRCh38, 1-based): chr3:53,183,572, A>C. VCF-style: chr3-53183572-A-C. GRCh37 (hg19) VCF-style: chr3-53217588-A-C.
Other names: c.778A>C (NM_006254.3); c.778A>C, p.Lys260Gln (NM_001316327.2, NM_001354679.2, NM_001354680.2 and 1 more transcripts); c.835A>C, p.Lys279Gln (NM_001354676.2); c.826A>C, p.Lys276Gln (NM_001354678.2); short protein forms K279Q, K260Q, K276Q.
Identifiers: ClinVar variation 2197891 (VCV002197891.4), dbSNP rs916124567, ClinGen allele CA74812640.
Genomic context (GRCh38, chr3:53,183,572, plus strand): 5'-AGCCCCACCTTCTGTGACCACTGCGGCAGCCTGCTCTGGGGACTGGTGAAGCAGGGATTA[A>C]AGTGTGAAGGTGCGTGCCACCCCGCCCCTGGGCTGCAGGAGGGGCACTCCCAGCTGGTGC-3'
Protein context (NP_006245.2, residues 250-270): LLWGLVKQGL[Lys260Gln]CEDCGMNVHH